The following is an entry in ClinVar:

NM_000108.5(DLD):c.*470G>T

Gene: DLD (dihydrolipoamide dehydrogenase; plus strand). Cytogenetic location: 7q31.1.
Variant type: single nucleotide variant.
Coding change: c.*470G>T on transcript NM_000108.5 (MANE Select); 470 bases downstream of the stop codon, G replaced by T.
Molecular consequence: 3 prime UTR variant.
Genome position (GRCh38, 1-based): chr7:107,919,729, G>T. VCF-style: chr7-107919729-G-T. GRCh37 (hg19) VCF-style: chr7-107560174-G-T.
Other names: c.*470G>T (NM_001289750.1, NM_001289751.1, NM_001289752.1).
Identifiers: ClinVar variation 909454 (VCV000909454.5), dbSNP rs111619940, ClinGen allele CA164259235.

ClinVar aggregate classification (germline): Benign/Likely benign. Review status: criteria provided, multiple submitters, no conflicts (2 of 4 stars). 4 submissions from 2 submitters: Benign (3); Likely benign (1). Last evaluated 2021-05-24.

Conditions:
Pyruvate dehydrogenase E3 deficiency (DLDD). Also called: Dihydrolipoamide Dehydrogenase (E3) Deficiency; Lipoamide dehydrogenase deficiency, lactic acidosis due to; Lipoamide dehydrogenase deficiency; Dihydrolipoamide Dehydrogenase Deficiency; MAPLE SYRUP URINE DISEASE, TYPE III; DLD DEFICIENCY. Identifiers: Orphanet 2394, Orphanet 765, MedGen C5574660, MONDO:0009529, OMIM 246900.
Leigh syndrome (NULS). Also called: Leigh's syndrome; LEIGH SYNDROME, NUCLEAR; Leigh's necrotizing encephalopathy; Leigh's disease; Leigh Syndrome (mtDNA deletion); Leigh Disease. Identifiers: Orphanet 506, MedGen C2931891, MONDO:0009723, OMIM 256000.
Pyruvate dehydrogenase complex deficiency (PDHC). Also called: PDH DEFICIENCY; PYRUVATE DECARBOXYLASE DEFICIENCY; Pyruvate Dehydrogenase Complex Deficiency Disease; Pyruvate dehydrogenase deficiency; Ataxia with lactic acidosis 1. Identifiers: Orphanet 765, Orphanet 79243, MedGen C0034345, MONDO:0019169.

Allele frequency attached by ClinVar (database versions not stated): TOPMed 0.00905; 1000 Genomes Project 0.01118; 1000 Genomes Project 30x 0.01249.
gnomAD v4.1: 1,388 of 161,564 alleles (0.86%); highest among the groups gnomAD compares: African/African-American, 3.2%; 18 homozygotes.

Submissions (4):

GeneDx
Classification: Likely benign. Last evaluated: 2021-05-24. Review status: criteria provided, single submitter. Criteria: GeneDx Variant Classification Process June 2021. Collection method: clinical testing. Allele origin: germline. Affected: yes.

Illumina Laboratory Services, Illumina
Classification: Benign for Leigh syndrome. Last evaluated: 2018-01-13. Review status: criteria provided, single submitter. Criteria: ICSL Variant Classification Criteria 13 December 2019. Collection method: clinical testing. Allele origin: germline.
Comment: This variant was observed in the ICSL laboratory as part of a predisposition screen in an ostensibly healthy population. It had not been previously curated by ICSL or reported in the Human Gene Mutation Database (HGMD: prior to June 1st, 2018), and was therefore a candidate for classification through an automated scoring system. Utilizing variant allele frequency, disease prevalence and penetrance estimates, and inheritance mode, an automated score was calculated to assess if this variant is too frequent to cause the disease. Based on the score and internal cut-off values, a variant classified as benign is not then subjected to further curation. The score for this variant resulted in a classification of benign for this disease.

Illumina Laboratory Services, Illumina
Classification: Benign for Pyruvate dehydrogenase E3 deficiency. Last evaluated: 2018-01-13. Review status: criteria provided, single submitter. Criteria: ICSL Variant Classification Criteria 13 December 2019. Collection method: clinical testing. Allele origin: germline.
Comment: the same text as in the submission from Illumina Laboratory Services, Illumina above.

Illumina Laboratory Services, Illumina
Classification: Benign for Pyruvate dehydrogenase complex deficiency. Last evaluated: 2018-01-13. Review status: criteria provided, single submitter. Criteria: ICSL Variant Classification Criteria 13 December 2019. Collection method: clinical testing. Allele origin: germline.
Comment: the same text as in the submission from Illumina Laboratory Services, Illumina above.